The following is an entry in ClinVar:

NM_000124.4(ERCC6):c.2287-3T>C

Gene: ERCC6 (ERCC excision repair 6, chromatin remodeling factor; minus strand). Cytogenetic location: 10q11.23.
Variant type: single nucleotide variant.
Coding change: c.2287-3T>C on transcript NM_000124.4 (MANE Select); 3 bases into the intron before coding-DNA position 2287, T replaced by C.
Molecular consequence: intron variant.
Genome position (GRCh38, 1-based): chr10:49,476,313, A>G on the plus strand (T>C on the coding strand, the complement: ERCC6 is on the minus strand). VCF-style: chr10-49476313-A-G. GRCh37 (hg19) VCF-style: chr10-50684359-A-G.
Other names: c.2287-3T>C (NM_001346440.2).
Identifiers: ClinVar variation 300070 (VCV000300070.6), dbSNP rs780652533, ClinGen allele CA5495698.
Genomic context (GRCh38, chr10:49,476,313, plus strand): 5'-AATCAACGAAATTTTGGTAGACTTTATGCTGCTCATCTGTAAGACGGCAAAATAAGACCT[A>G]CGGACGGGAAAAACAAGGAAACTATAATTTCAAAAAAAAAATTAACAGAAATAATTAAAA-3'

ClinVar aggregate classification (germline): Uncertain significance. Review status: criteria provided, multiple submitters, no conflicts (2 of 4 stars). 4 submissions from 2 submitters: Uncertain significance (4). Last evaluated 2022-10-13.

Conditions:
Cerebrooculofacioskeletal syndrome 1 (COFS1). Also called: Cerebro-oculo-facio-skeletal syndrome 1. Identifiers: MedGen C0220722, MONDO:0008955, OMIM 214150.
Age related macular degeneration 5. Identifiers: MedGen C3151063, MONDO:0013409, OMIM 613761.
Cockayne syndrome type 2 (CSB). Also called: Cockayne Syndrome, Type II; COCKAYNE SYNDROME B. Identifiers: Orphanet 191, Orphanet 90322, MedGen C0751038, MONDO:0019570, OMIM 133540.

Allele frequency attached by ClinVar (database versions not stated): ExAC 0.00002; gnomAD 0.00002; gnomAD exomes 0.00002 and 0.00006; TOPMed 0.00005.
gnomAD v4.1: 92 of 1,605,512 alleles (0.0057%); highest among the groups gnomAD compares: Non-Finnish European, 0.007%; no homozygotes.

Submissions (4):

Labcorp Genetics (formerly Invitae), Labcorp
Classification: Uncertain significance. Last evaluated: 2022-10-13. Review status: criteria provided, single submitter. Criteria: Invitae Variant Classification Sherloc (09022015). Collection method: clinical testing. Allele origin: germline.
Comment: This sequence change falls in intron 11 of the ERCC6 gene. It does not directly change the encoded amino acid sequence of the ERCC6 protein. It affects a nucleotide within the consensus splice site. This variant is present in population databases (rs780652533, gnomAD 0.01%). This variant has not been reported in the literature in individuals affected with ERCC6-related conditions. ClinVar contains an entry for this variant (Variation ID: 300070). Variants that disrupt the consensus splice site are a relatively common cause of aberrant splicing (PMID: 17576681, 9536098). Algorithms developed to predict the effect of sequence changes on RNA splicing suggest that this variant is not likely to affect RNA splicing. In summary, the available evidence is currently insufficient to determine the role of this variant in disease. Therefore, it has been classified as a Variant of Uncertain Significance.

Illumina Laboratory Services, Illumina
Classification: Uncertain significance for Cockayne syndrome type 2. Last evaluated: 2018-01-13. Review status: criteria provided, single submitter. Criteria: ICSL Variant Classification Criteria 13 December 2019. Collection method: clinical testing. Allele origin: germline.

Illumina Laboratory Services, Illumina
Classification: Uncertain significance for Cerebrooculofacioskeletal syndrome 1. Last evaluated: 2018-01-13. Review status: criteria provided, single submitter. Criteria: ICSL Variant Classification Criteria 13 December 2019. Collection method: clinical testing. Allele origin: germline.

Illumina Laboratory Services, Illumina
Classification: Uncertain significance for Age related macular degeneration 5. Last evaluated: 2018-01-13. Review status: criteria provided, single submitter. Criteria: ICSL Variant Classification Criteria 13 December 2019. Collection method: clinical testing. Allele origin: germline.

Literature cited by the submitters: PubMed 17576681 (cited by Labcorp Genetics (formerly Invitae), Labcorp); PubMed 9536098 (cited by Labcorp Genetics (formerly Invitae), Labcorp).